The following is an entry in ClinVar:

ClinVar aggregate classification (germline): Pathogenic. Review status: criteria provided, multiple submitters, no conflicts (2 of 4 stars). 2 submissions from 2 submitters: Pathogenic (2). Last evaluated 2024-04-10.

Conditions:
Hereditary cancer-predisposing syndrome. Also called: Neoplastic Syndromes, Hereditary; Tumor predisposition; Hereditary Cancer Syndrome; Hereditary neoplastic syndrome. Identifiers: Orphanet 140162, MedGen C0027672, MeSH D009386, MONDO:0015356.
Hereditary breast ovarian cancer syndrome. Also called: Breast and ovarian cancer; BRCA1- and BRCA2-Associated Hereditary Breast and Ovarian Cancer; Hereditary breast and ovarian cancer; Hereditary breast and/or ovarian cancer syndrome; Hereditary breast and ovarian cancer syndrome; Hereditary breast and ovarian cancer syndrome (HBOC). Identifiers: Orphanet 145, MedGen C0677776, MeSH D061325, MONDO:0003582. Disease mechanism: loss of function.

Submissions (2):

Labcorp Genetics (formerly Invitae), Labcorp
Classification: Pathogenic for Hereditary breast ovarian cancer syndrome. Last evaluated: 2024-04-10. Review status: criteria provided, single submitter. Criteria: Invitae Variant Classification Sherloc (09022015). Collection method: clinical testing. Allele origin: germline.
Comment: This sequence change creates a premature translational stop signal (p.Gly312Alafs*9) in the BRCA1 gene. It is expected to result in an absent or disrupted protein product. Loss-of-function variants in BRCA1 are known to be pathogenic (PMID: 20104584). This variant is not present in population databases (gnomAD no frequency). This variant has not been reported in the literature in individuals affected with BRCA1-related conditions. ClinVar contains an entry for this variant (Variation ID: 654213). For these reasons, this variant has been classified as Pathogenic.

Ambry Genetics
Classification: Pathogenic for Hereditary cancer-predisposing syndrome. Last evaluated: 2022-05-24. Review status: criteria provided, single submitter. Criteria: Ambry Variant Classification Scheme 2023. Collection method: clinical testing. Allele origin: germline.
Comment: The c.931_934dupCCTG pathogenic mutation, located in coding exon 9 of the BRCA1 gene, results from a duplication of CCTG at nucleotide position 931, causing a translational frameshift with a predicted alternate stop codon (p.G312Afs*9). This variant is considered to be rare based on population cohorts in the Genome Aggregation Database (gnomAD). This alteration is expected to result in loss of function by premature protein truncation or nonsense-mediated mRNA decay. As such, this alteration is interpreted as a disease-causing mutation.

Literature cited by the submitters: PubMed 20104584 (cited by Labcorp Genetics (formerly Invitae), Labcorp).

NM_007294.4(BRCA1):c.931_934dup (p.Gly312fs)

Gene: BRCA1 (BRCA1 DNA repair associated; minus strand). Cytogenetic location: 17q21.31.
Variant type: Duplication.
Coding change: c.931_934dup on transcript NM_007294.4 (MANE Select); coding-DNA positions 931 to 934, 4 bases duplicated (CCTG; older notation c.931_934dupCCTG).
Protein change: p.Gly312fs; shifts the reading frame from glycine 312.
Molecular consequence: frameshift variant. On other transcripts: intron variant (137).
Genome position (GRCh38, 1-based): chr17:43,094,597-43,094,600, CAGG duplicated on the plus strand (CCTG on the coding strand, the reverse complement: BRCA1 is on the minus strand); duplicating any 4 consecutive bases within chr17:43,094,597-43,094,601 gives the same sequence; the c. name uses the placement nearest the transcript's 3' end. VCF-style (leftmost placement, unchanged base first): chr17-43094596-C-CCAGG. GRCh37 (hg19) VCF-style: chr17-41246613-C-CCAGG.
Other names: c.931_934dupCCTG (NM_007294.3); c.718_721dup, p.Gly241fs (NM_001407571.1, NM_001407853.1, NM_001407894.1 and 9 more transcripts); c.931_934dup, p.Gly312fs (NM_001407581.1, NM_001407582.1, NM_001407583.1 and 30 more transcripts); c.928_931dup, p.Gly311fs (NM_001407587.1, NM_001407590.1, NM_001407591.1 and 22 more transcripts); c.922_925dup, p.Gly309fs (NM_001407646.1, NM_001407647.1); c.808_811dup, p.Gly271fs (NM_001407648.1, NM_001407664.1, NM_001407665.1 and 19 more transcripts); c.805_808dup, p.Gly270fs (NM_001407649.1, NM_001407670.1, NM_001407671.1 and 11 more transcripts); c.853_856dup, p.Gly286fs (NM_001407653.1, NM_001407654.1, NM_001407655.1 and 4 more transcripts); and 41 more; short protein forms G265fs, G312fs, G185fs, G244fs, G270fs, G271fs, G144fs, G184fs.
Identifiers: ClinVar variation 654213 (VCV000654213.10), dbSNP rs1597879048, ClinGen allele CA915950140.